The following is an entry in ClinVar:

NM_004385.5(VCAN):c.4422T>C (p.Thr1474=)

Genes: VCAN (versican; plus strand), VCAN-AS1 (VCAN antisense RNA 1; minus strand). Cytogenetic location: 5q14.3.
Variant type: single nucleotide variant.
Coding change: c.4422T>C on transcript NM_004385.5 (MANE Select); coding-DNA position 4422, T replaced by C.
Protein change: p.Thr1474=; no amino-acid change (threonine 1474 retained).
Molecular consequence: synonymous variant. On other transcripts: intron variant (2).
Genome position (GRCh38, 1-based): chr5:83,537,425, T>C. VCF-style: chr5-83537425-T-C. GRCh37 (hg19) VCF-style: chr5-82833244-T-C.
Other names: c.1461T>C, p.Thr487= (NM_001164097.2); c.4004-8112T>C (NM_001164098.2); c.1043-8112T>C (NM_001126336.3).
Identifiers: ClinVar variation 259365 (VCV000259365.16), dbSNP rs61733395, ClinGen allele CA3333169.

ClinVar aggregate classification (germline): Benign. Review status: criteria provided, multiple submitters, no conflicts (2 of 4 stars). 4 submissions from 3 submitters: Benign (4). Last evaluated 2026-01-21.

Conditions:
Vitreoretinopathy. Also called: Vitreoretinal degeneration. Identifiers: MedGen C0344290, MONDO:0020248, HP:0007773.
Wagner disease. Also called: Wagner Vitreoretinal Degeneration (Wagner Synrdome); HYALOIDEORETINAL DEGENERATION OF WAGNER; Wagner syndrome; WAGNER VITREORETINAL DEGENERATION; WAGNER SYNDROME 1; WAGNER VITREORETINOPATHY. Identifiers: Orphanet 898, MedGen C1840452, MONDO:0007740, OMIM 143200.

Allele frequency attached by ClinVar (database versions not stated): gnomAD exomes 0.00090 and 0.00232; ExAC 0.00288; gnomAD 0.00917 and 0.00980; TOPMed 0.01067; 1000 Genomes Project 0.01098; ESP Exome Variant Server 0.01146; 1000 Genomes Project 30x 0.01156.

Submissions (4):

Labcorp Genetics (formerly Invitae), Labcorp
Classification: Benign. Last evaluated: 2026-01-21. Review status: criteria provided, single submitter. Criteria: Invitae Variant Classification Sherloc (09022015). Collection method: clinical testing. Allele origin: germline.

Illumina Laboratory Services, Illumina
Classification: Benign for Wagner disease. Last evaluated: 2018-01-12. Review status: criteria provided, single submitter. Criteria: ICSL Variant Classification Criteria 13 December 2019. Collection method: clinical testing. Allele origin: germline.
Comment: This variant was observed in the ICSL laboratory as part of a predisposition screen in an ostensibly healthy population. It had not been previously curated by ICSL or reported in the Human Gene Mutation Database (HGMD: prior to June 1st, 2018), and was therefore a candidate for classification through an automated scoring system. Utilizing variant allele frequency, disease prevalence and penetrance estimates, and inheritance mode, an automated score was calculated to assess if this variant is too frequent to cause the disease. Based on the score and internal cut-off values, a variant classified as benign is not then subjected to further curation. The score for this variant resulted in a classification of benign for this disease.

Illumina Laboratory Services, Illumina
Classification: Benign for Vitreoretinopathy. Last evaluated: 2018-01-12. Review status: criteria provided, single submitter. Criteria: ICSL Variant Classification Criteria 13 December 2019. Collection method: clinical testing. Allele origin: germline.
Comment: the same text as in the submission from Illumina Laboratory Services, Illumina above.

PreventionGenetics, part of Exact Sciences
Classification: Benign. Review status: criteria provided, single submitter. Criteria: ACMG Guidelines, 2015. Collection method: clinical testing. Allele origin: germline.